The following is an entry in ClinVar:

ClinVar aggregate classification (germline): Pathogenic (1 of 4 stars; one submission).

Submission:

Labcorp Genetics (formerly Invitae), Labcorp
Classification: Pathogenic. Last evaluated: 2023-11-04. Review status: criteria provided, single submitter. Criteria: Invitae Variant Classification Sherloc (09022015). Collection method: clinical testing. Allele origin: germline.
Comment: This sequence change creates a premature translational stop signal (p.Leu530*) in the TCF12 gene. It is expected to result in an absent or disrupted protein product. Loss-of-function variants in TCF12 are known to be pathogenic (PMID: 23354436, 32620954). This variant is not present in population databases (gnomAD no frequency). This variant has not been reported in the literature in individuals affected with TCF12-related conditions. For these reasons, this variant has been classified as Pathogenic.

Literature cited by the submitters: PubMed 23354436; PubMed 32620954.

NM_207037.2(TCF12):c.1589T>A (p.Leu530Ter)

Gene: TCF12 (transcription factor 12; plus strand). Cytogenetic location: 15q21.3.
Variant type: single nucleotide variant.
Coding change: c.1589T>A on transcript NM_207037.2 (MANE Select); coding-DNA position 1589, T replaced by A.
Protein change: p.Leu530Ter; replaces leucine 530 with a stop codon.
Molecular consequence: nonsense.
Genome position (GRCh38, 1-based): chr15:57,263,118, T>A. VCF-style: chr15-57263118-T-A. GRCh37 (hg19) VCF-style: chr15-57555316-T-A.
Other names: c.1586T>A, p.Leu529Ter (NM_001322161.2); c.1589T>A, p.Leu530Ter (NM_001322162.2, NM_207036.2, NM_001322151.2 and 2 more transcripts); c.1553T>A, p.Leu518Ter (NM_001322164.2); c.1517T>A, p.Leu506Ter (NM_001322165.2, NM_003205.4, NM_207038.2 and 1 more transcripts); c.1007T>A, p.Leu336Ter (NM_207040.2); c.1079T>A, p.Leu360Ter (NM_001306219.3); c.809T>A, p.Leu270Ter (NM_001306220.3); c.932T>A, p.Leu311Ter (NM_001322154.2); and 2 more; short protein forms L270*, L311*, L336*, L360*, L472*, L448*, L518*, L529*.
Identifiers: ClinVar variation 2693285 (VCV002693285.3), dbSNP rs2551492625, ClinGen allele CA392589688.